The following is an entry in ClinVar:

ClinVar aggregate classification (germline): Uncertain significance (1 of 4 stars; one submission).

Allele frequency attached by ClinVar (database versions not stated): TOPMed below 0.00001; gnomAD 0.00001.

Submission:

Labcorp Genetics (formerly Invitae), Labcorp
Classification: Uncertain significance. Last evaluated: 2022-08-16. Review status: criteria provided, single submitter. Criteria: Invitae Variant Classification Sherloc (09022015). Collection method: clinical testing. Allele origin: germline.
Comment: Algorithms developed to predict the effect of missense changes on protein structure and function (SIFT, PolyPhen-2, Align-GVGD) all suggest that this variant is likely to be tolerated. ClinVar contains an entry for this variant (Variation ID: 1350990). In summary, the available evidence is currently insufficient to determine the role of this variant in disease. Therefore, it has been classified as a Variant of Uncertain Significance. This sequence change replaces leucine, which is neutral and non-polar, with phenylalanine, which is neutral and non-polar, at codon 93 of the LCA5 protein (p.Leu93Phe). This variant is not present in population databases (gnomAD no frequency). This variant has not been reported in the literature in individuals affected with LCA5-related conditions.

NM_001122769.3(LCA5):c.277C>T (p.Leu93Phe)

Gene: LCA5 (lebercilin LCA5; minus strand). Cytogenetic location: 6q14.1.
Variant type: single nucleotide variant.
Coding change: c.277C>T on transcript NM_001122769.3 (MANE Select); coding-DNA position 277, C replaced by T.
Protein change: p.Leu93Phe; replaces leucine 93 with phenylalanine.
Molecular consequence: missense variant.
Genome position (GRCh38, 1-based): chr6:79,513,655, G>A on the plus strand (C>T on the coding strand, the complement: LCA5 is on the minus strand). VCF-style: chr6-79513655-G-A. GRCh37 (hg19) VCF-style: chr6-80223372-G-A.
Other names: c.277C>T, p.Leu93Phe (NM_181714.4); short protein forms L93F.
Identifiers: ClinVar variation 1350990 (VCV001350990.6), dbSNP rs772331293, ClinGen allele CA141844844.